The following is an entry in ClinVar:

ClinVar aggregate classification (germline): Uncertain significance (1 of 4 stars; one submission).

Conditions:
RASopathy. Also called: Noonan spectrum disorder; rasopathies. Identifiers: Orphanet 536391, MedGen C5555857, MONDO:0021060.

Submission:

Labcorp Genetics (formerly Invitae), Labcorp
Classification: Uncertain significance for RASopathy. Last evaluated: 2017-11-16. Review status: criteria provided, single submitter. Criteria: Invitae Variant Classification Sherloc (09022015). Collection method: clinical testing. Allele origin: germline.
Comment: In summary, the available evidence is currently insufficient to determine the role of this variant in disease. Therefore, it has been classified as a Variant of Uncertain Significance. Algorithms developed to predict the effect of missense changes on protein structure and function do not agree on the potential impact of this missense change (SIFT: "Tolerated"; PolyPhen-2: "Possibly Damaging"; Align-GVGD: "Class C0"). This variant has not been reported in the literature in individuals with BRAF-related disease. This variant is not present in population databases (ExAC no frequency). This sequence change replaces serine with phenylalanine at codon 399 of the BRAF protein (p.Ser399Phe). The serine residue is highly conserved and there is a large physicochemical difference between serine and phenylalanine.

NM_004333.6(BRAF):c.1196C>T (p.Ser399Phe)

Gene: BRAF (B-Raf proto-oncogene, serine/threonine kinase; minus strand). Cytogenetic location: 7q34.
Variant type: single nucleotide variant.
Coding change: c.1196C>T on transcript NM_004333.6 (MANE Select); coding-DNA position 1196, C replaced by T.
Protein change: p.Ser399Phe; replaces serine 399 with phenylalanine.
Molecular consequence: missense variant. On other transcripts: intron variant (2).
Genome position (GRCh38, 1-based): chr7:140,783,139, G>A on the plus strand (C>T on the coding strand, the complement: BRAF is on the minus strand). VCF-style: chr7-140783139-G-A. GRCh37 (hg19) VCF-style: chr7-140482939-G-A.
Other names: c.1141-56C>T (NM_001378471.1); c.1178-48C>T (NM_001378469.1); c.1196C>T, p.Ser399Phe (NM_001354609.2, NM_001378468.1, NM_001378474.1); c.1316C>T, p.Ser439Phe (NM_001374244.1, NM_001374258.1); c.1205C>T, p.Ser402Phe (NM_001378467.1); c.1094C>T, p.Ser365Phe (NM_001378470.1); c.1040C>T, p.Ser347Phe (NM_001378472.1, NM_001378473.1); c.932C>T, p.Ser311Phe (NM_001378475.1); short protein forms S399F, S311F, S347F, S365F, S402F, S439F.
Identifiers: ClinVar variation 543975 (VCV000543975.8), dbSNP rs1554400234, ClinGen allele CA369589529.